The following is an entry in ClinVar:

ClinVar aggregate classification (germline): Uncertain significance (1 of 4 stars; one submission).

Conditions:
Gnathodiaphyseal dysplasia (GDD). Also called: GNATHODIAPHYSEAL SCLEROSIS; OSTEOGENESIS IMPERFECTA WITH UNUSUAL SKELETAL LESIONS. Identifiers: Orphanet 53697, MedGen C1833736, MONDO:0008151, OMIM 166260.
Autosomal recessive limb-girdle muscular dystrophy type 2L (LGMDR12). Also called: Limb-girdle muscular dystrophy, type 2L; MUSCULAR DYSTROPHY, LIMB-GIRDLE, AUTOSOMAL RECESSIVE 12; Limb-Girdle Muscular Dystrophy R12 Anoctamin-5-Related (LGMD-R12). Identifiers: Orphanet 206549, MedGen C1969785, MONDO:0012652, OMIM 611307.

gnomAD v4.1: 1 of 1,613,416 alleles (0.000062%); no homozygotes.

Submission:

Labcorp Genetics (formerly Invitae), Labcorp
Classification: Uncertain significance for Autosomal recessive limb-girdle muscular dystrophy type 2L; Gnathodiaphyseal dysplasia. Last evaluated: 2025-10-24. Review status: criteria provided, single submitter. Criteria: Invitae Variant Classification Sherloc (09022015). Collection method: clinical testing. Allele origin: germline.
Comment: This sequence change replaces leucine, which is neutral and non-polar, with serine, which is neutral and polar, at codon 140 of the ANO5 protein (p.Leu140Ser). This variant is not present in population databases (gnomAD no frequency). This variant has not been reported in the literature in individuals affected with ANO5-related conditions. Invitae Evidence Modeling of protein sequence and biophysical properties (such as structural, functional, and spatial information, amino acid conservation, physicochemical variation, residue mobility, and thermodynamic stability) indicates that this missense variant is expected to disrupt ANO5 protein function with a positive predictive value of 95%. In summary, the available evidence is currently insufficient to determine the role of this variant in disease. Therefore, it has been classified as a Variant of Uncertain Significance.

NM_213599.3(ANO5):c.419T>C (p.Leu140Ser)

Gene: ANO5 (anoctamin 5; plus strand). Cytogenetic location: 11p14.3.
Variant type: single nucleotide variant.
Coding change: c.419T>C on transcript NM_213599.3 (MANE Select); coding-DNA position 419, T replaced by C.
Protein change: p.Leu140Ser; replaces leucine 140 with serine.
Molecular consequence: missense variant.
Genome position (GRCh38, 1-based): chr11:22,227,357, T>C. VCF-style: chr11-22227357-T-C. GRCh37 (hg19) VCF-style: chr11-22248903-T-C.
Other names: c.416T>C, p.Leu139Ser (NM_001142649.2); c.377T>C, p.Leu126Ser (NM_001410963.1, NM_001441298.1, NM_001441300.1); c.374T>C, p.Leu125Ser (NM_001410964.1, NM_001441299.1, NM_001441301.1); c.341T>C, p.Leu114Ser (NM_001441294.1); c.338T>C, p.Leu113Ser (NM_001441295.1); c.326T>C, p.Leu109Ser (NM_001441296.1, NM_001441302.1); c.299T>C, p.Leu100Ser (NM_001441297.1); short protein forms L109S, L113S, L126S, L140S, L139S, L114S, L100S, L125S.
Identifiers: ClinVar variation 4789393 (VCV004789393.1).